The following is an entry in ClinVar:

ClinVar aggregate classification (germline): Uncertain significance. Review status: criteria provided, single submitter (1 of 4 stars). 2 submissions from 2 submitters: Uncertain significance (1). 1 of the submissions does not count toward it. Last evaluated 2025-02-24.

Conditions:
CPE-related disorder. Also called: CPE-related condition.
Inborn genetic diseases. Identifiers: MedGen C0950123, MeSH D030342.

Allele frequency attached by ClinVar (database versions not stated): ExAC 0.00003; gnomAD 0.00003; TOPMed 0.00003; gnomAD exomes 0.00007; ESP Exome Variant Server 0.00008.
gnomAD v4.1: 101 of 1,609,802 alleles (0.0063%); highest among the groups gnomAD compares: Non-Finnish European, 0.0082%; no homozygotes.

Submissions (2):

Ambry Genetics
Classification: Uncertain significance for Inborn genetic diseases. Last evaluated: 2025-02-24. Review status: criteria provided, single submitter. Criteria: Ambry Variant Classification Scheme 2023. Collection method: clinical testing. Allele origin: germline.

PreventionGenetics, part of Exact Sciences
Classification: Uncertain significance for CPE-related condition. Last evaluated: 2024-03-14. Review status: no assertion criteria provided. Collection method: clinical testing. Allele origin: germline. Not counted in ClinVar's aggregate classification.
Comment: The CPE c.496G>A variant is predicted to result in the amino acid substitution p.Ala166Thr. To our knowledge, this variant has not been reported in the literature. This variant is reported in 0.0062% of alleles in individuals of African descent in gnomAD. At this time, the clinical significance of this variant is uncertain due to the absence of conclusive functional and genetic evidence.

NM_001873.4(CPE):c.496G>A (p.Ala166Thr)

Gene: CPE (carboxypeptidase E; plus strand). Cytogenetic location: 4q32.3.
Variant type: single nucleotide variant.
Coding change: c.496G>A on transcript NM_001873.4 (MANE Select); coding-DNA position 496, G replaced by A.
Protein change: p.Ala166Thr; replaces alanine 166 with threonine.
Molecular consequence: missense variant.
Genome position (GRCh38, 1-based): chr4:165,464,578, G>A. VCF-style: chr4-165464578-G-A. GRCh37 (hg19) VCF-style: chr4-166385730-G-A.
Other names: c.496G>A (NM_001873.2); short protein forms A166T.
Identifiers: ClinVar variation 3057554 (VCV003057554.3), dbSNP rs371855900, ClinGen allele CA3130179.